The following is an entry in ClinVar:

ClinVar aggregate classification (germline): Pathogenic/Likely pathogenic. Review status: criteria provided, multiple submitters, no conflicts (2 of 4 stars). 4 submissions from 4 submitters: Pathogenic (3); Likely pathogenic (1). Last evaluated 2026-02-05.

Conditions:
Rhabdoid tumor predisposition syndrome 2 (RTPS2). Identifiers: Orphanet 231108, Orphanet 69077, MedGen C2750074, MONDO:0013224, OMIM 613325.
Hereditary cancer-predisposing syndrome. Also called: Tumor predisposition; Hereditary neoplastic syndrome; Hereditary Cancer Syndrome; Neoplastic Syndromes, Hereditary. Identifiers: Orphanet 140162, MedGen C0027672, MeSH D009386, MONDO:0015356.

gnomAD v4.1: 1 of 1,612,626 alleles (0.000062%); highest among the groups gnomAD compares: Non-Finnish European, 0.000085%; no homozygotes.

Submissions (4):

Ambry Genetics
Classification: Pathogenic for Hereditary cancer-predisposing syndrome. Last evaluated: 2026-02-05. Review status: criteria provided, single submitter. Criteria: Ambry Variant Classification Scheme 2023. Collection method: clinical testing. Allele origin: germline.
Comment: The p.R979* pathogenic mutation (also known as c.2935C>T), located in coding exon 19 of the SMARCA4 gene, results from a C to T substitution at nucleotide position 2935. This changes the amino acid from an arginine to a stop codon within coding exon 19. This alteration is expected to result in loss of function by premature protein truncation or nonsense-mediated mRNA decay. This variant was reported in individual(s) with features consistent with rhabdoid tumor predisposition syndrome (Ramos P et al. Nat Genet, 2014 May;46:427-9; Errichiello E et al. J. Pathol., 2017 Sep;243:9-15). This variant is considered to be rare based on population cohorts in the Genome Aggregation Database (gnomAD). Loss-of-function variants in SMARCA4 are known to cause rhabdoid tumor predisposition syndrome including small cell carcinoma of the ovary-hypercalcemic type (SCCOHT); however, such associations with neurodevelopmental disorders are exceedingly rare (Kosho T et al. Am J Med Genet C Semin Med Genet. 2014 Sep;166C(3):262-75; Jelinic P et al. Nat Genet. 2014 May;46(5):424-6). Based on the supporting evidence, this alteration is pathogenic for rhabdoid tumor predisposition syndrome; however, the association of this alteration with Coffin-Siris syndrome is unlikely.

GeneDx
Classification: Pathogenic. Last evaluated: 2025-02-25. Review status: criteria provided, single submitter. Criteria: GeneDx Variant Classification Process June 2021. Collection method: clinical testing. Allele origin: germline. Affected: yes.
Comment: Identified in two patients with small cell carcinoma of the ovary of hypercalcemic type (SCCOHT), including one apparently de novo occurrence in a patient that also had features of SMARCA4-related Coffin-Siris syndrome (PMID: 28608987, 24658001); Not observed at significant frequency in large population cohorts (gnomAD); Nonsense variant predicted to result in protein truncation or nonsense mediated decay in a gene for which loss of function is a known mechanism of disease; A published functional study supports a deleterious effect via RNA analysis and IHC on tumor specimen suggesting decreased expression and nonsense mediated decay (PMID: 28608987); This variant is associated with the following publications: (PMID: 24658001, 28608987)

Labcorp Genetics (formerly Invitae), Labcorp
Classification: Pathogenic for Rhabdoid tumor predisposition syndrome 2. Last evaluated: 2022-10-13. Review status: criteria provided, single submitter. Criteria: Invitae Variant Classification Sherloc (09022015). Collection method: clinical testing. Allele origin: germline.
Comment: ClinVar contains an entry for this variant (Variation ID: 967403). This sequence change creates a premature translational stop signal (p.Arg979*) in the SMARCA4 gene. It is expected to result in an absent or disrupted protein product. Loss-of-function variants in SMARCA4 are known to be pathogenic (PMID: 24658001, 24658002). This variant is not present in population databases (gnomAD no frequency). This premature translational stop signal has been observed in individual(s) with small cell carcinoma of the ovary, hypercalcemic type (PMID: 24658001, 28608987). In at least one individual the variant was observed to be de novo. For these reasons, this variant has been classified as Pathogenic.

Clinical Genetics and Genomics, Karolinska University Hospital
Classification: Likely pathogenic. Last evaluated: 2017-10-17. Review status: criteria provided, single submitter. Criteria: ACMG Guidelines, 2015. Collection method: clinical testing. Allele origin: germline. Affected: yes. Observed: 1 variant allele.

Literature cited by the submitters: PubMed 24658001 (cited by Ambry Genetics and Labcorp Genetics (formerly Invitae), Labcorp); PubMed 26343384 (cited by Ambry Genetics); PubMed 28608987 (cited by Ambry Genetics and Labcorp Genetics (formerly Invitae), Labcorp); PubMed 24658002 (cited by Labcorp Genetics (formerly Invitae), Labcorp).

NM_003072.5(SMARCA4):c.2935C>T (p.Arg979Ter)

Gene: SMARCA4 (SWI/SNF related BAF chromatin remodeling complex subunit ATPase 4; plus strand). Cytogenetic location: 19p13.2.
Variant type: single nucleotide variant.
Coding change: c.2935C>T on transcript NM_003072.5 (MANE Select); coding-DNA position 2935, C replaced by T.
Protein change: p.Arg979Ter; replaces arginine 979 with a stop codon.
Molecular consequence: nonsense. On other transcripts: non-coding transcript variant (1).
Genome position (GRCh38, 1-based): chr19:11,023,593, C>T. VCF-style: chr19-11023593-C-T. GRCh37 (hg19) VCF-style: chr19-11134269-C-T.
Other names: c.2935C>T, p.Arg979Ter (NM_001128844.3, NM_001128845.2, NM_001128846.2 and 4 more transcripts); short protein forms R979*.
Identifiers: ClinVar variation 967403 (VCV000967403.13), dbSNP rs769308802, ClinGen allele CA404057622.
Genomic context (GRCh38, chr19:11,023,593, plus strand): 5'-GAGGAAACCATTCTCATCATCCGGCGTCTCCACAAAGTGCTGCGGCCCTTCTTGCTCCGA[C>T]GACTCAAGAAGGAAGTCGAGGCCCAGTTGCCCGAAAAGGTGATGGAGTTTTGAGGGGAGC-3'